The following is an entry in ClinVar:

NM_000535.7(PMS2):c.2447T>A (p.Val816Glu)

Gene: PMS2 (PMS1 homolog 2, mismatch repair system component; minus strand). Cytogenetic location: 7p22.1.
Variant type: single nucleotide variant.
Coding change: c.2447T>A on transcript NM_000535.7 (MANE Select); coding-DNA position 2447, T replaced by A.
Protein change: p.Val816Glu; replaces valine 816 with glutamic acid.
Molecular consequence: missense variant. On other transcripts: non-coding transcript variant (1).
Genome position (GRCh38, 1-based): chr7:5,973,541, A>T on the plus strand (T>A on the coding strand, the complement: PMS2 is on the minus strand). VCF-style: chr7-5973541-A-T. GRCh37 (hg19) VCF-style: chr7-6013172-A-T.
Other names: c.2042T>A, p.Val681Glu (NM_001322003.2, NM_001322004.2, NM_001322005.2); c.2291T>A, p.Val764Glu (NM_001322006.2); c.2129T>A, p.Val710Glu (NM_001322007.2, NM_001322008.2); c.2075T>A, p.Val692Glu (NM_001322009.2); c.1886T>A, p.Val629Glu (NM_001322010.2); c.1514T>A, p.Val505Glu (NM_001322011.2, NM_001322012.2); c.1874T>A, p.Val625Glu (NM_001322013.2); c.2480T>A, p.Val827Glu (NM_001322014.2); and 1 more; short protein forms V816E, V692E, V710E, V827E, V505E, V625E, V629E, V681E.
Identifiers: ClinVar variation 411064 (VCV000411064.12), dbSNP rs1060503140, ClinGen allele CA16612109.
Genomic context (GRCh38, chr7:5,973,541, plus strand): 5'-TCCCCCATGTGGGTGATCAGTTTCTTCATCTCGCTTGTGTTAAGAGCAGTCCCAATCATC[A>T]CCTGAGTGTGAGACACAATGGTTCAACGTTTTAGTAGTTTTTTGACGTCAGAATGGCAGC-3'
Protein context (NP_000526.2, residues 806-826): MFASRACRKS[Val816Glu]MIGTALNTSE

ClinVar aggregate classification (germline): Uncertain significance. Review status: criteria provided, multiple submitters, no conflicts (2 of 4 stars). 2 submissions from 2 submitters: Uncertain significance (2). Last evaluated 2022-11-10.

Conditions:
Hereditary cancer-predisposing syndrome. Also called: Tumor predisposition; Hereditary Cancer Syndrome; Hereditary neoplastic syndrome; Neoplastic Syndromes, Hereditary. Identifiers: Orphanet 140162, MedGen C0027672, MeSH D009386, MONDO:0015356.
Hereditary nonpolyposis colorectal neoplasms. Identifiers: MedGen C0009405, MeSH D003123.

Allele frequency attached by ClinVar (database versions not stated): gnomAD 0.00001 and 0.00002; gnomAD exomes 0.00001.

Submissions (2):

Ambry Genetics
Classification: Uncertain significance for Hereditary cancer-predisposing syndrome. Last evaluated: 2022-11-10. Review status: criteria provided, single submitter. Criteria: Ambry Variant Classification Scheme 2023. Collection method: clinical testing. Allele origin: germline.
Comment: The p.V816E variant (also known as c.2447T>A), located in coding exon 15 of the PMS2 gene, results from a T to A substitution at nucleotide position 2447. The valine at codon 816 is replaced by glutamic acid, an amino acid with dissimilar properties. This amino acid position is conserved. In addition, this alteration is predicted to be deleterious by in silico analysis. Since supporting evidence is limited at this time, the clinical significance of this alteration remains unclear.

Labcorp Genetics (formerly Invitae), Labcorp
Classification: Uncertain significance for Hereditary nonpolyposis colorectal neoplasms. Last evaluated: 2022-01-29. Review status: criteria provided, single submitter. Criteria: Invitae Variant Classification Sherloc (09022015). Collection method: clinical testing. Allele origin: germline.
Comment: This variant has not been reported in the literature in individuals affected with PMS2-related conditions. In summary, the available evidence is currently insufficient to determine the role of this variant in disease. Therefore, it has been classified as a Variant of Uncertain Significance. Algorithms developed to predict the effect of sequence changes on RNA splicing suggest that this variant may disrupt the consensus splice site. Algorithms developed to predict the effect of missense changes on protein structure and function are either unavailable or do not agree on the potential impact of this missense change (SIFT: "Deleterious"; PolyPhen-2: "Probably Damaging"; Align-GVGD: "Class C0"). ClinVar contains an entry for this variant (Variation ID: 411064). The frequency data for this variant in the population databases (gnomAD) is considered unreliable due to the presence of homologous sequence, such as pseudogenes or paralogs, in the genome. This sequence change replaces valine, which is neutral and non-polar, with glutamic acid, which is acidic and polar, at codon 816 of the PMS2 protein (p.Val816Glu).